The following is an entry in ClinVar:

ClinVar aggregate classification (germline): Uncertain significance (1 of 4 stars; one submission).

gnomAD v4.1: 11 of 1,613,494 alleles (0.00068%); highest among the groups gnomAD compares: East Asian, 0.0045%; no homozygotes.

Submission:

CeGaT Center for Human Genetics Tuebingen
Classification: Uncertain significance. Last evaluated: 2025-10-01. Review status: criteria provided, single submitter. Criteria: CeGaT Center For Human Genetics Tuebingen Variant Classification Criteria Version 2. Collection method: clinical testing. Allele origin: germline. Affected: yes. Observed: 1 variant allele.
Comment: ASH1L: PM2, BP4

NM_018489.3(ASH1L):c.7376G>A (p.Arg2459Gln)

Gene: ASH1L (ASH1 like histone lysine methyltransferase; minus strand). Cytogenetic location: 1q22.
Variant type: single nucleotide variant.
Coding change: c.7376G>A on transcript NM_018489.3 (MANE Select); coding-DNA position 7376, G replaced by A.
Protein change: p.Arg2459Gln; replaces arginine 2459 with glutamine.
Molecular consequence: missense variant.
Genome position (GRCh38, 1-based): chr1:155,349,587, C>T on the plus strand (G>A on the coding strand, the complement: ASH1L is on the minus strand). VCF-style: chr1-155349587-C-T. GRCh37 (hg19) VCF-style: chr1-155319378-C-T.
Other names: c.7391G>A, p.Arg2464Gln (NM_001366177.2); short protein forms R2459Q, R2464Q.
Identifiers: ClinVar variation 4534808 (VCV004534808.6).